The following is an entry in ClinVar:

ClinVar aggregate classification (germline): Pathogenic (1 of 4 stars; one submission).

Submission:

GeneDx
Classification: Pathogenic. Last evaluated: 2022-06-10. Review status: criteria provided, single submitter. Criteria: GeneDx Variant Classification Process June 2021. Collection method: clinical testing. Allele origin: germline. Affected: yes.
Comment: Nonsense variant in the C-terminus predicted to result in protein truncation, as the last 834 amino acids are lost, and other loss-of-function variants have been reported downstream in the Human Gene Mutation Database (HGMD); Not observed in large population cohorts (gnomAD); Has not been previously published as pathogenic or benign to our knowledge

NM_002016.2(FLG):c.9683_9684del (p.Asp3227_Ser3228insTer)

Genes: FLG (filaggrin; minus strand), FLG-AS1 (FLG antisense RNA 1; plus strand). Cytogenetic location: 1q21.3.
Variant type: Microsatellite.
Coding change: c.9683_9684del on transcript NM_002016.2 (MANE Select); coding-DNA positions 9683 to 9684, 2 bases deleted (CT; older notation c.9683_9684delCT).
Protein change: p.Asp3227_Ser3228insTer.
Molecular consequence: nonsense.
Genome position (GRCh38, 1-based): chr1:152,305,202-152,305,203, AG deleted on the plus strand (CT on the coding strand, the reverse complement: FLG is on the minus strand); deleting any 2 consecutive bases within chr1:152,305,202-152,305,205 gives the same sequence; the c. name uses the placement nearest the transcript's 3' end. VCF-style (leftmost placement, unchanged base first): chr1-152305201-CAG-C. GRCh37 (hg19) VCF-style: chr1-152277677-CAG-C.
Identifiers: ClinVar variation 1691654 (VCV001691654.3), dbSNP rs2101637757, ClinGen allele CA2574057969.
Genomic context (GRCh38, chr1:152,305,201, plus strand): 5'-GCCTTGACTGCTCCTGAACAGATCCACGATGGTTTCTGGAAGCAGACCCAGACCACCTCT[CAG>C]AGTCTTCTGAATGTCCCTCACTGTCACTGTCCTGGCTCACACTGGATCCCTGGCGCCTGC-3'